The following is an entry in ClinVar:

NM_020820.4(PREX1):c.1071C>T (p.Asn357=)

Gene: PREX1 (phosphatidylinositol-3,4,5-trisphosphate dependent Rac exchange factor 1; minus strand). Cytogenetic location: 20q13.13.
Variant type: single nucleotide variant.
Coding change: c.1071C>T on transcript NM_020820.4 (MANE Select); coding-DNA position 1071, C replaced by T.
Protein change: p.Asn357=; no amino-acid change (asparagine 357 retained).
Molecular consequence: synonymous variant.
Genome position (GRCh38, 1-based): chr20:48,691,062, G>A on the plus strand (C>T on the coding strand, the complement: PREX1 is on the minus strand). VCF-style: chr20-48691062-G-A. GRCh37 (hg19) VCF-style: chr20-47307600-G-A.
Identifiers: ClinVar variation 3055040 (VCV003055040.2), dbSNP rs139463608, ClinGen allele CA9897731.

ClinVar aggregate classification (germline): Likely benign (0 of 4 stars; one submission).

Conditions:
PREX1-related disorder. Also called: PREX1-related condition.

Allele frequency attached by ClinVar (database versions not stated): gnomAD exomes 0.00011; ExAC 0.00018; 1000 Genomes Project 0.00040; 1000 Genomes Project 30x 0.00047; gnomAD 0.00056; TOPMed 0.00063; ESP Exome Variant Server 0.00069.
gnomAD v4.1: 245 of 1,614,248 alleles (0.015%); highest among the groups gnomAD compares: African/African-American, 0.21%; 1 homozygote.

Submission:

PreventionGenetics, part of Exact Sciences
Classification: Likely benign for PREX1-related condition. Last evaluated: 2020-04-29. Review status: no assertion criteria provided. Collection method: clinical testing. Allele origin: germline.
Comment: This variant is classified as likely benign based on ACMG/AMP sequence variant interpretation guidelines (Richards et al. 2015 PMID: 25741868, with internal and published modifications).